The following is an entry in ClinVar:

ClinVar aggregate classification (germline): Uncertain significance (1 of 4 stars; one submission).

Conditions:
Intellectual disability, CASK-related, X-linked. Identifiers: MedGen CN043158.

Allele frequency attached by ClinVar (database versions not stated): TOPMed below 0.00001; gnomAD 0.00001; gnomAD exomes 0.00001 and 0.00002.
gnomAD v4.1: 20 of 1,204,761 alleles (0.0017%); highest among the groups gnomAD compares: Non-Finnish European, 0.0022%; no homozygotes.

Submission:

Labcorp Genetics (formerly Invitae), Labcorp
Classification: Uncertain significance for Intellectual disability, CASK-related, X-linked. Last evaluated: 2025-05-24. Review status: criteria provided, single submitter. Criteria: Invitae Variant Classification Sherloc (09022015). Collection method: clinical testing. Allele origin: germline.
Comment: This sequence change falls in intron 8 of the CASK gene. It does not directly change the encoded amino acid sequence of the CASK protein. It affects a nucleotide within the consensus splice site. This variant is present in population databases (no rsID available, gnomAD 0.003%), including at least one homozygous and/or hemizygous individual. This variant has not been reported in the literature in individuals affected with CASK-related conditions. ClinVar contains an entry for this variant (Variation ID: 937378). Variants that disrupt the consensus splice site are a relatively common cause of aberrant splicing (PMID: 17576681, 9536098). Algorithms developed to predict the effect of sequence changes on RNA splicing suggest that this variant is not likely to affect RNA splicing. In summary, the available evidence is currently insufficient to determine the role of this variant in disease. Therefore, it has been classified as a Variant of Uncertain Significance.

Literature cited by the submitters: PubMed 17576681; PubMed 9536098.

NM_001367721.1(CASK):c.831+4C>A

Gene: CASK (calcium/calmodulin dependent serine protein kinase; minus strand). Cytogenetic location: Xp11.4.
Variant type: single nucleotide variant.
Coding change: c.831+4C>A on transcript NM_001367721.1 (MANE Select); 4 bases into the intron after coding-DNA position 831, C replaced by A.
Molecular consequence: intron variant.
Genome position (GRCh38, 1-based): chrX:41,660,435, G>T on the plus strand (C>A on the coding strand, the complement: CASK is on the minus strand). VCF-style: chrX-41660435-G-T. GRCh37 (hg19) VCF-style: chrX-41519688-G-T.
Other names: c.831+4C>A (NM_001126055.3, NM_001410745.1, NM_001126054.3 and 1 more transcripts).
Identifiers: ClinVar variation 937378 (VCV000937378.6), dbSNP rs1275463774, ClinGen allele CA641582674.